The following is an entry in ClinVar:

NM_000342.4(SLC4A1):c.82G>C (p.Glu28Gln)

Gene: SLC4A1 (solute carrier family 4 member 1 (Diego blood group); minus strand). Cytogenetic location: 17q21.31.
Variant type: single nucleotide variant.
Coding change: c.82G>C on transcript NM_000342.4 (MANE Select); coding-DNA position 82, G replaced by C.
Protein change: p.Glu28Gln; replaces glutamic acid 28 with glutamine.
Molecular consequence: missense variant.
Genome position (GRCh38, 1-based): chr17:44,262,660, C>G on the plus strand (G>C on the coding strand, the complement: SLC4A1 is on the minus strand). VCF-style: chr17-44262660-C-G. GRCh37 (hg19) VCF-style: chr17-42340028-C-G.
Other names: short protein forms E28Q.
Identifiers: ClinVar variation 4800874 (VCV004800874.1).
Genomic context (GRCh38, chr17:44,262,660, plus strand): 5'-CAGCTCATCCCAGCTGAGGGAGGGAGAGGGGCTCACCTGCCGGCTCCTCCATCTGGGACT[C>G]GGGGATGTCTGGGTCTTCATATTCCTCCTGCTCCAGATTCTCCTCCATCATGTCTTCATA-3'
Protein context (NP_000333.1, residues 18-38): QEEYEDPDIP[Glu28Gln]SQMEEPAAHD

ClinVar aggregate classification (germline): Uncertain significance (1 of 4 stars; one submission).

gnomAD v4.1: 2 of 1,613,258 alleles (0.00012%); highest among the groups gnomAD compares: South Asian, 0.0011%; no homozygotes.

Submission:

Labcorp Genetics (formerly Invitae), Labcorp
Classification: Uncertain significance. Last evaluated: 2025-12-13. Review status: criteria provided, single submitter. Criteria: Invitae Variant Classification Sherloc (09022015). Collection method: clinical testing. Allele origin: germline.
Comment: This sequence change replaces glutamic acid, which is acidic and polar, with glutamine, which is neutral and polar, at codon 28 of the SLC4A1 protein (p.Glu28Gln). This variant is not present in population databases (gnomAD no frequency). This variant has not been reported in the literature in individuals affected with SLC4A1-related conditions. Invitae Evidence Modeling of protein sequence and biophysical properties (such as structural, functional, and spatial information, amino acid conservation, physicochemical variation, residue mobility, and thermodynamic stability) indicates that this missense variant is not expected to disrupt SLC4A1 protein function with a negative predictive value of 95%. In summary, the available evidence is currently insufficient to determine the role of this variant in disease. Therefore, it has been classified as a Variant of Uncertain Significance.